The following is an entry in ClinVar:

ClinVar aggregate classification (germline): Pathogenic. Review status: criteria provided, single submitter (1 of 4 stars). 2 submissions from 2 submitters: Pathogenic (1). 1 of the submissions does not count toward it. Last evaluated 2023-04-07.

Conditions:
Oto-palato-digital syndrome, type II (OPD2). Also called: Otopalatodigital Syndrome, Type II; OPD II SYNDROME; FACIOPALATOOSSEOUS SYNDROME; Otopalatodigital Syndrome Type 2 (FLNA-OPD2). Identifiers: Orphanet 669, Orphanet 90652, MedGen C1844696, MONDO:0010571, OMIM 304120.
Melnick-Needles syndrome (MNS). Also called: MELNICK-NEEDLES OSTEODYSPLASTY; OSTEODYSPLASTY OF MELNICK AND NEEDLES; Melnick-Needles Syndrome (FLNA-MNS). Identifiers: Orphanet 2484, MedGen C0025237, MONDO:0010650, OMIM 309350.
Heterotopia, periventricular, X-linked dominant (PVNH1). Also called: PERIVENTRICULAR NODULAR HETEROTOPIA 1; PERIVENTRICULAR NODULAR HETEROTOPIA 4; HETEROTOPIA, PERIVENTRICULAR, 1; X-linked periventricular heterotopia. Identifiers: Orphanet 2149, Orphanet 82004, MedGen C1848213, MONDO:0010233, OMIM 300049.
Frontometaphyseal dysplasia (FMD1). Identifiers: Orphanet 1826, MedGen C0265293, MONDO:0015942.

Submissions (2):

Labcorp Genetics (formerly Invitae), Labcorp
Classification: Pathogenic for Oto-palato-digital syndrome, type II; Heterotopia, periventricular, X-linked dominant; Frontometaphyseal dysplasia; Melnick-Needles syndrome. Last evaluated: 2023-04-07. Review status: criteria provided, single submitter. Criteria: Invitae Variant Classification Sherloc (09022015). Collection method: clinical testing. Allele origin: germline.
Comment: This variant is not present in population databases (gnomAD no frequency). This sequence change replaces glutamic acid, which is acidic and polar, with valine, which is neutral and non-polar, at codon 82 of the FLNA protein (p.Glu82Val). Experimental studies are conflicting or provide insufficient evidence to determine the effect of this variant on FLNA function (PMID: 30224736). For these reasons, this variant has been classified as Pathogenic. Advanced modeling of protein sequence and biophysical properties (such as structural, functional, and spatial information, amino acid conservation, physicochemical variation, residue mobility, and thermodynamic stability) performed at Invitae indicates that this missense variant is expected to disrupt FLNA protein function. ClinVar contains an entry for this variant (Variation ID: 11754). This missense change has been observed in individual(s) with periventricular heterotopia (PMID: 11914408; Invitae). It has also been observed to segregate with disease in related individuals.

OMIM
Classification: Pathogenic for HETEROTOPIA, PERIVENTRICULAR NODULAR, 1. Last evaluated: 2002-03-26. Review status: no assertion criteria provided. Collection method: literature only. Allele origin: germline. Not counted in ClinVar's aggregate classification.

Literature cited by the submitters: PubMed 30224736 (cited by Labcorp Genetics (formerly Invitae), Labcorp); PubMed 11914408 (cited by Labcorp Genetics (formerly Invitae), Labcorp and OMIM).

NM_001110556.2(FLNA):c.245A>T (p.Glu82Val)

Gene: FLNA (filamin A; minus strand). Cytogenetic location: Xq28.
Variant type: single nucleotide variant.
Coding change: c.245A>T on transcript NM_001110556.2 (MANE Select); coding-DNA position 245, A replaced by T.
Protein change: p.Glu82Val; replaces glutamic acid 82 with valine.
Molecular consequence: missense variant.
Genome position (GRCh38, 1-based): chrX:154,371,001, T>A on the plus strand (A>T on the coding strand, the complement: FLNA is on the minus strand). VCF-style: chrX-154371001-T-A. GRCh37 (hg19) VCF-style: chrX-153599369-T-A.
Other names: c.245A>T, p.Glu82Val (NM_001456.4); short protein forms E82V.
Identifiers: ClinVar variation 11754 (VCV000011754.4), dbSNP rs28935169, ClinGen allele CA256055.